The following is an entry in ClinVar:

NM_000256.3(MYBPC3):c.905+7C>G

Gene: MYBPC3 (myosin binding protein C3; minus strand). Cytogenetic location: 11p11.2.
Variant type: single nucleotide variant.
Coding change: c.905+7C>G on transcript NM_000256.3 (MANE Select); 7 bases into the intron after coding-DNA position 905, C replaced by G.
Molecular consequence: intron variant.
Genome position (GRCh38, 1-based): chr11:47,347,419, G>C on the plus strand (C>G on the coding strand, the complement: MYBPC3 is on the minus strand). VCF-style: chr11-47347419-G-C. GRCh37 (hg19) VCF-style: chr11-47368970-G-C.
Identifiers: ClinVar variation 918718 (VCV000918718.3), dbSNP rs2095895367, ClinGen allele CA1139661938.

ClinVar aggregate classification (germline): Uncertain significance (1 of 4 stars; one submission).

Conditions:
Cardiomyopathy (CMYO). Also called: Cardiomyopathies. Identifiers: Orphanet 167848, MedGen C0878544, MONDO:0004994, HP:0001638. Inheritance: Various modes of inheritance.

gnomAD v4.1: 1 of 1,580,578 alleles (0.000063%); highest among the groups gnomAD compares: Non-Finnish European, 0.000086%; no homozygotes.

Submission:

Color Diagnostics, LLC DBA Color Health
Classification: Uncertain significance for Cardiomyopathy. Last evaluated: 2019-09-04. Review status: criteria provided, single submitter. Criteria: ACMG Guidelines, 2015. Collection method: clinical testing. Allele origin: germline.
Comment: This variant causes a C>G nucleotide substitution at the +7 position of intron 9 of the MYBPC3 gene. Splice site prediction tools and conservation analyses are inconclusive regarding the impact of this variant on RNA splicing. To our knowledge, functional studies have not been performed for this variant. This variant has not been reported in individuals affected with cardiovascular disorders in the literature. This variant has not been identified in the general population by the Genome Aggregation Database (gnomAD). The available evidence is insufficient to determine the role of this variant in disease conclusively. Therefore, this variant is classified as a Variant of Uncertain Significance.